The following is an entry in ClinVar:

NM_031372.4(HNRNPDL):c.146C>T (p.Ser49Phe)

Gene: HNRNPDL (heterogeneous nuclear ribonucleoprotein D like; minus strand). Cytogenetic location: 4q21.22.
Variant type: single nucleotide variant.
Coding change: c.146C>T on transcript NM_031372.4 (MANE Select); coding-DNA position 146, C replaced by T.
Protein change: p.Ser49Phe; replaces serine 49 with phenylalanine.
Molecular consequence: missense variant. On other transcripts: non-coding transcript variant (1).
Genome position (GRCh38, 1-based): chr4:82,429,545, G>A on the plus strand (C>T on the coding strand, the complement: HNRNPDL is on the minus strand). VCF-style: chr4-82429545-G-A. GRCh37 (hg19) VCF-style: chr4-83350698-G-A.
Other names: c.146C>T, p.Ser49Phe (NM_001207000.1); short protein forms S49F.
Identifiers: ClinVar variation 2095101 (VCV002095101.4), dbSNP rs1721612678, ClinGen allele CA357172972.

ClinVar aggregate classification (germline): Uncertain significance (1 of 4 stars; one submission).

Conditions:
Autosomal dominant limb-girdle muscular dystrophy type 1G (LGMDD3). Also called: Limb-girdle muscular dystrophy, type 1G; MUSCULAR DYSTROPHY, LIMB-GIRDLE, AUTOSOMAL DOMINANT 3. Identifiers: Orphanet 55596, MedGen C1836765, MONDO:0012193, OMIM 609115.

Allele frequency attached by ClinVar (database versions not stated): TOPMed 0.00001.

Submission:

Labcorp Genetics (formerly Invitae), Labcorp
Classification: Uncertain significance for Autosomal dominant limb-girdle muscular dystrophy type 1G. Last evaluated: 2022-11-25. Review status: criteria provided, single submitter. Criteria: Invitae Variant Classification Sherloc (09022015). Collection method: clinical testing. Allele origin: germline.
Comment: In summary, the available evidence is currently insufficient to determine the role of this variant in disease. Therefore, it has been classified as a Variant of Uncertain Significance. Algorithms developed to predict the effect of missense changes on protein structure and function are either unavailable or do not agree on the potential impact of this missense change (SIFT: "Deleterious"; PolyPhen-2: "Possibly Damaging"; Align-GVGD: "Class C0"). This variant has not been reported in the literature in individuals affected with HNRNPDL-related conditions. This variant is not present in population databases (gnomAD no frequency). This sequence change replaces serine, which is neutral and polar, with phenylalanine, which is neutral and non-polar, at codon 49 of the HNRNPDL protein (p.Ser49Phe).